The following is an entry in ClinVar:

NM_015065.3(EXPH5):c.5305C>G (p.Pro1769Ala)

Gene: EXPH5 (exophilin 5; minus strand). Cytogenetic location: 11q22.3.
Variant type: single nucleotide variant.
Coding change: c.5305C>G on transcript NM_015065.3 (MANE Select); coding-DNA position 5305, C replaced by G.
Protein change: p.Pro1769Ala; replaces proline 1769 with alanine.
Molecular consequence: missense variant.
Genome position (GRCh38, 1-based): chr11:108,510,202, G>C on the plus strand (C>G on the coding strand, the complement: EXPH5 is on the minus strand). VCF-style: chr11-108510202-G-C. GRCh37 (hg19) VCF-style: chr11-108380929-G-C.
Other names: c.5305C>G (NM_015065.2); c.5077C>G, p.Pro1693Ala (NM_001144763.2); c.4837C>G, p.Pro1613Ala (NM_001144764.2); c.4741C>G, p.Pro1581Ala (NM_001144765.2); c.5284C>G, p.Pro1762Ala (NM_001308019.2); short protein forms P1581A, P1693A, P1762A, P1769A, P1613A.
Identifiers: ClinVar variation 1426801 (VCV001426801.6), dbSNP rs116621686, ClinGen allele CA6267355.

ClinVar aggregate classification (germline): Uncertain significance. Review status: criteria provided, multiple submitters, no conflicts (2 of 4 stars). 2 submissions from 2 submitters: Uncertain significance (2). Last evaluated 2025-08-29.

Conditions:
Inborn genetic diseases. Identifiers: MedGen C0950123, MeSH D030342.

Allele frequency attached by ClinVar (database versions not stated): gnomAD exomes 0.00004 and 0.00010; ExAC 0.00016; ESP Exome Variant Server 0.00038; gnomAD 0.00038 and 0.00039; TOPMed 0.00044; 1000 Genomes Project 0.00080; 1000 Genomes Project 30x 0.00125.
gnomAD v4.1: 115 of 1,614,056 alleles (0.0071%); highest among the groups gnomAD compares: African/African-American, 0.14%; no homozygotes.

Submissions (2):

Ambry Genetics
Classification: Uncertain significance for Inborn genetic diseases. Last evaluated: 2025-08-29. Review status: criteria provided, single submitter. Criteria: Ambry Variant Classification Scheme 2023. Collection method: clinical testing. Allele origin: germline.

Labcorp Genetics (formerly Invitae), Labcorp
Classification: Uncertain significance. Last evaluated: 2021-10-14. Review status: criteria provided, single submitter. Criteria: Invitae Variant Classification Sherloc (09022015). Collection method: clinical testing. Allele origin: germline.
Comment: Algorithms developed to predict the effect of missense changes on protein structure and function (SIFT, PolyPhen-2, Align-GVGD) all suggest that this variant is likely to be tolerated. In summary, the available evidence is currently insufficient to determine the role of this variant in disease. Therefore, it has been classified as a Variant of Uncertain Significance. This sequence change replaces proline with alanine at codon 1769 of the EXPH5 protein (p.Pro1769Ala). The proline residue is moderately conserved and there is a small physicochemical difference between proline and alanine. This variant is present in population databases (rs116621686, ExAC 0.2%). This variant has not been reported in the literature in individuals affected with EXPH5-related conditions.